The following is an entry in ClinVar:

NM_001282116.2(RFX3):c.973+1G>A

Gene: RFX3 (regulatory factor X3; minus strand). Cytogenetic location: 9p24.2.
Variant type: single nucleotide variant.
Coding change: c.973+1G>A on transcript NM_001282116.2 (MANE Select); the canonical splice donor site of the intron after coding-DNA position 973, G replaced by A.
Molecular consequence: splice donor variant.
Genome position (GRCh38, 1-based): chr9:3,277,339, C>T on the plus strand (G>A on the coding strand, the complement: RFX3 is on the minus strand). VCF-style: chr9-3277339-C-T. GRCh37 (hg19) VCF-style: chr9-3277339-C-T.
Other names: c.973+1G>A (NM_001377999.1, NM_134428.3, NM_002919.4 and 1 more transcripts).
Identifiers: ClinVar variation 4071461 (VCV004071461.1).

ClinVar aggregate classification (germline): Likely pathogenic (1 of 4 stars; one submission).

Conditions:
Intellectual disability. Also called: Intellectual functioning disability; intellectual disabilities; Intellectual developmental disorder. Identifiers: MedGen C3714756, MeSH D008607, MONDO:0001071, HP:0001249.

Submission:

Clinical Genetics Laboratory, Skane University Hospital Lund
Classification: Likely pathogenic for Intellectual disability. Last evaluated: 2025-07-24. Review status: criteria provided, single submitter. Criteria: ACMG Guidelines, 2015. Collection method: clinical testing. Allele origin: germline. Affected: yes.
Comment: ACMG-criteria applied: PVS1, PM2